The following is an entry in ClinVar:

ClinVar aggregate classification (germline): Likely benign (1 of 4 stars; one submission).

Submission:

CeGaT Center for Human Genetics Tuebingen
Classification: Likely benign. Last evaluated: 2024-08-01. Review status: criteria provided, single submitter. Criteria: CeGaT Center For Human Genetics Tuebingen Variant Classification Criteria Version 2. Collection method: clinical testing. Allele origin: germline. Affected: yes. Observed: 1 variant allele.
Comment: SHROOM4: PM2:Supporting, BP4, BP7

NM_020717.5(SHROOM4):c.3951T>A (p.Leu1317=)

Gene: SHROOM4 (shroom family member 4; minus strand). Cytogenetic location: Xp11.22.
Variant type: single nucleotide variant.
Coding change: c.3951T>A on transcript NM_020717.5 (MANE Select); coding-DNA position 3951, T replaced by A.
Protein change: p.Leu1317=; no amino-acid change (leucine 1317 retained).
Molecular consequence: synonymous variant. On other transcripts: non-coding transcript variant (4).
Genome position (GRCh38, 1-based): chrX:50,598,527, A>T on the plus strand (T>A on the coding strand, the complement: SHROOM4 is on the minus strand). VCF-style: chrX-50598527-A-T. GRCh37 (hg19) VCF-style: chrX-50341527-A-T.
Identifiers: ClinVar variation 3341975 (VCV003341975.16).